The following is an entry in ClinVar:

ClinVar aggregate classification (germline): Uncertain significance (1 of 4 stars; one submission).

Conditions:
Hereditary cancer-predisposing syndrome. Also called: Neoplastic Syndromes, Hereditary; Tumor predisposition; Hereditary Cancer Syndrome; Hereditary neoplastic syndrome. Identifiers: Orphanet 140162, MedGen C0027672, MeSH D009386, MONDO:0015356.

Submission:

Ambry Genetics
Classification: Uncertain significance for Hereditary cancer-predisposing syndrome. Last evaluated: 2025-11-18. Review status: criteria provided, single submitter. Criteria: Ambry Variant Classification Scheme 2023. Collection method: clinical testing. Allele origin: germline.
Comment: The p.F1323C variant (also known as c.3968T>G), located in coding exon 23 of the PTCH1 gene, results from a T to G substitution at nucleotide position 3968. The phenylalanine at codon 1323 is replaced by cysteine, an amino acid with highly dissimilar properties. This amino acid position is conserved. In addition, this alteration is predicted to be deleterious by in silico analysis. Based on the available evidence, the clinical significance of this variant remains unclear.

NM_000264.5(PTCH1):c.3968T>G (p.Phe1323Cys)

Gene: PTCH1 (patched 1; minus strand). Cytogenetic location: 9q22.32.
Variant type: single nucleotide variant.
Coding change: c.3968T>G on transcript NM_000264.5 (MANE Select); coding-DNA position 3968, T replaced by G.
Protein change: p.Phe1323Cys; replaces phenylalanine 1323 with cysteine.
Molecular consequence: missense variant. On other transcripts: non-coding transcript variant (1).
Genome position (GRCh38, 1-based): chr9:95,447,288, A>C on the plus strand (T>G on the coding strand, the complement: PTCH1 is on the minus strand). VCF-style: chr9-95447288-A-C. GRCh37 (hg19) VCF-style: chr9-98209570-A-C.
Other names: c.3770T>G, p.Phe1257Cys (NM_001083602.3); c.3965T>G, p.Phe1322Cys (NM_001083603.3); c.3515T>G, p.Phe1172Cys (NM_001083604.3, NM_001083605.3, NM_001083606.3 and 1 more transcripts); c.3812T>G, p.Phe1271Cys (NM_001354918.2); short protein forms F1172C, F1323C, F1257C, F1322C, F1271C.
Identifiers: ClinVar variation 1736576 (VCV001736576.3), dbSNP rs2136580455, ClinGen allele CA374110571.